The following is an entry in ClinVar:

ClinVar aggregate classification (germline): Conflicting classifications of pathogenicity. Review status: criteria provided, conflicting classifications (1 of 4 stars). 3 submissions from 3 submitters: Uncertain significance (2); Likely benign (1). Last evaluated 2026-01-10.

Conditions:
Neonatal severe primary hyperparathyroidism. Identifiers: Orphanet 417, MedGen C1832615, MONDO:0009397, OMIM 239200.
Familial hypocalciuric hypercalcemia 1. Also called: Hypercalcemia, familial benign type 1. Identifiers: Orphanet 405, Orphanet 93372, MedGen C0342637, MONDO:0007791, OMIM 145980.
Autosomal dominant hypocalcemia 1 (HYPOC1). Also called: HYPOCALCEMIA, FAMILIAL. Identifiers: MedGen C3715128, MONDO:0011013, OMIM 601198.
Epilepsy, idiopathic generalized, susceptibility to, 8. Identifiers: MedGen C2752062, MONDO:0013032, OMIM 612899.
Familial hypocalciuric hypercalcemia (FHH). Also called: Familial benign hypercalcemia. Identifiers: Orphanet 405, MedGen C1809471, MONDO:0018458.
Nephrolithiasis/nephrocalcinosis. Identifiers: MedGen CN580796.

Allele frequency attached by ClinVar (database versions not stated): ExAC 0.00002; gnomAD exomes 0.00002.
gnomAD v4.1: 6 of 1,614,158 alleles (0.00037%); highest among the groups gnomAD compares: Admixed American, 0.01%; no homozygotes.

Submissions (3):

Labcorp Genetics (formerly Invitae), Labcorp
Classification: Uncertain significance for Familial hypocalciuric hypercalcemia; Autosomal dominant hypocalcemia 1. Last evaluated: 2026-01-10. Review status: criteria provided, single submitter. Criteria: Invitae Variant Classification Sherloc (09022015). Collection method: clinical testing. Allele origin: germline.
Comment: This sequence change replaces alanine, which is neutral and non-polar, with serine, which is neutral and polar, at codon 880 of the CASR protein (p.Ala880Ser). This variant is present in population databases (rs763865303, gnomAD 0.01%). This variant has not been reported in the literature in individuals affected with CASR-related conditions. ClinVar contains an entry for this variant (Variation ID: 653245). An algorithm developed to predict the effect of missense changes on protein structure and function (PolyPhen-2) suggests that this variant is likely to be disruptive. In summary, the available evidence is currently insufficient to determine the role of this variant in disease. Therefore, it has been classified as a Variant of Uncertain Significance.

Ambry Genetics
Classification: Likely benign for Nephrolithiasis/nephrocalcinosis. Last evaluated: 2024-11-19. Review status: criteria provided, single submitter. Criteria: Ambry Variant Classification Scheme 2023. Collection method: clinical testing. Allele origin: germline.

Fulgent Genetics
Classification: Uncertain significance for Familial hypocalciuric hypercalcemia 1; Neonatal severe primary hyperparathyroidism; Autosomal dominant hypocalcemia 1; Epilepsy, idiopathic generalized, susceptibility to, 8. Last evaluated: 2021-08-03. Review status: criteria provided, single submitter. Criteria: ACMG Guidelines, 2015. Collection method: clinical testing. Allele origin: unknown.

NM_000388.4(CASR):c.2638G>T (p.Ala880Ser)

Gene: CASR (calcium sensing receptor; plus strand). Cytogenetic location: 3q21.1.
Variant type: single nucleotide variant.
Coding change: c.2638G>T on transcript NM_000388.4 (MANE Select); coding-DNA position 2638, G replaced by T.
Protein change: p.Ala880Ser; replaces alanine 880 with serine.
Molecular consequence: missense variant.
Genome position (GRCh38, 1-based): chr3:122,284,592, G>T. VCF-style: chr3-122284592-G-T. GRCh37 (hg19) VCF-style: chr3-122003439-G-T.
Other names: c.2668G>T, p.Ala890Ser (NM_001178065.2); short protein forms A890S, A880S.
Identifiers: ClinVar variation 653245 (VCV000653245.13), dbSNP rs763865303, ClinGen allele CA2569839.